The following is an entry in ClinVar:

NM_031263.4(HNRNPK):c.547G>A (p.Glu183Lys)

Genes: HNRNPK (heterogeneous nuclear ribonucleoprotein K; minus strand), HNRNPK-AS1 (HNRNPK antisense RNA 1; plus strand). Cytogenetic location: 9q21.32.
Variant type: single nucleotide variant.
Coding change: c.547G>A on transcript NM_031263.4 (MANE Select); coding-DNA position 547, G replaced by A.
Protein change: p.Glu183Lys; replaces glutamic acid 183 with lysine.
Molecular consequence: missense variant.
Genome position (GRCh38, 1-based): chr9:83,972,942, C>T on the plus strand (G>A on the coding strand, the complement: HNRNPK is on the minus strand). VCF-style: chr9-83972942-C-T. GRCh37 (hg19) VCF-style: chr9-86587857-C-T.
Other names: c.475G>A, p.Glu159Lys (NM_001318186.2, NM_001318187.2); c.547G>A, p.Glu183Lys (NM_001318188.2, NM_002140.5, NM_031262.4); short protein forms E159K, E183K.
Identifiers: ClinVar variation 3573647 (VCV003573647.1).

ClinVar aggregate classification (germline): Uncertain significance (1 of 4 stars; one submission).

Submission:

GeneDx
Classification: Uncertain significance. Last evaluated: 2024-07-17. Review status: criteria provided, single submitter. Criteria: GeneDx Variant Classification Process June 2021. Collection method: clinical testing. Allele origin: germline. Affected: yes.
Comment: Not observed at significant frequency in large population cohorts (gnomAD); In silico analysis supports that this missense variant has a deleterious effect on protein structure/function; Has not been previously published as pathogenic or benign to our knowledge